The following is an entry in ClinVar:

NM_005359.6(SMAD4):c.1447+549A>G

Gene: SMAD4 (SMAD family member 4; plus strand). Cytogenetic location: 18q21.2.
Variant type: single nucleotide variant.
Coding change: c.1447+549A>G on transcript NM_005359.6 (MANE Select); 549 bases into the intron after coding-DNA position 1447, A replaced by G.
Molecular consequence: intron variant. On other transcripts: non-coding transcript variant (1).
Genome position (GRCh38, 1-based): chr18:51,077,325, A>G. VCF-style: chr18-51077325-A-G. GRCh37 (hg19) VCF-style: chr18-48603695-A-G.
Other names: c.1447+549A>G (NM_001407042.1, NM_001407041.1).
Identifiers: ClinVar variation 4046039 (VCV004046039.1).
Genomic context (GRCh38, chr18:51,077,325, plus strand): 5'-TGTGTGCCAGGTTTCACACTGATGGGGAATTTTTTACTGCAGAGTTAAACTCCTGACTAT[A>G]GACTTTTATGATGGAAACACGTGGCACCCATCTTCCACGTCTGAAGGCATAACTAGTGAT-3'

ClinVar aggregate classification (germline): Uncertain significance (1 of 4 stars; one submission).

Conditions:
Familial thoracic aortic aneurysm and aortic dissection (TAAD). Also called: Thoracic aortic aneurysms and dissections. Identifiers: Orphanet 91387, MedGen C4707243, MONDO:0019625.
Hereditary cancer-predisposing syndrome. Also called: Neoplastic Syndromes, Hereditary; Tumor predisposition; Hereditary neoplastic syndrome; Hereditary Cancer Syndrome. Identifiers: Orphanet 140162, MedGen C0027672, MeSH D009386, MONDO:0015356.

Submission:

Ambry Genetics
Classification: Uncertain significance for Hereditary cancer-predisposing syndrome; Familial thoracic aortic aneurysm and aortic dissection. Last evaluated: 2025-05-29. Review status: criteria provided, single submitter. Criteria: Ambry Variant Classification Scheme 2023. Collection method: clinical testing. Allele origin: germline.
Comment: The c.1447+549A>G intronic variant results from an A to G substitution 549 nucleotides after coding exon 10 in the SMAD4 gene. This nucleotide position is highly conserved on limited sequence alignment. In silico splice site analysis predicts that this alteration may result in the creation or strengthening of a novel splice acceptor site; however, direct evidence is insufficient at this time (Ambry internal data). Based on the available evidence, the clinical significance of this variant remains unclear.